The following is an entry in ClinVar:

ClinVar aggregate classification (germline): Conflicting classifications of pathogenicity. Review status: criteria provided, conflicting classifications (1 of 4 stars). 3 submissions from 3 submitters: Likely pathogenic (1); Uncertain significance (2). Last evaluated 2026-01-21.

Allele frequency attached by ClinVar (database versions not stated): gnomAD exomes below 0.00001; gnomAD 0.00001; ESP Exome Variant Server 0.00008.
gnomAD v4.1: 4 of 1,605,776 alleles (0.00025%); highest among the groups gnomAD compares: African/African-American, 0.0027%; no homozygotes.

Submissions (3):

Labcorp Genetics (formerly Invitae), Labcorp
Classification: Uncertain significance. Last evaluated: 2026-01-21. Review status: criteria provided, single submitter. Criteria: Invitae Variant Classification Sherloc (09022015). Collection method: clinical testing. Allele origin: germline.
Comment: This sequence change replaces alanine, which is neutral and non-polar, with valine, which is neutral and non-polar, at codon 851 of the RTTN protein (p.Ala851Val). The frequency data for this variant in the population databases is considered unreliable, as metrics indicate poor data quality at this position in the gnomAD database. This variant has not been reported in the literature in individuals affected with RTTN-related conditions. ClinVar contains an entry for this variant (Variation ID: 1353710). Invitae Evidence Modeling of protein sequence and biophysical properties (such as structural, functional, and spatial information, amino acid conservation, physicochemical variation, residue mobility, and thermodynamic stability) indicates that this missense variant is expected to disrupt RTTN protein function with a positive predictive value of 80%. In summary, the available evidence is currently insufficient to determine the role of this variant in disease. Therefore, it has been classified as a Variant of Uncertain Significance.

GeneDx
Classification: Likely pathogenic. Last evaluated: 2023-02-15. Review status: criteria provided, single submitter. Criteria: GeneDx Variant Classification Process June 2021. Collection method: clinical testing. Allele origin: germline. Affected: yes.
Comment: Not observed at significant frequency in large population cohorts (gnomAD); In silico analysis supports that this missense variant has a deleterious effect on protein structure/function; Has not been previously published as pathogenic or benign to our knowledge

Blueprint Genetics
Classification: Uncertain significance. Last evaluated: 2022-02-04. Review status: criteria provided, single submitter. Criteria: ACMG Guidelines, 2015. Collection method: clinical testing. Allele origin: germline.

NM_173630.4(RTTN):c.2552C>T (p.Ala851Val)

Gene: RTTN (rotatin; minus strand). Cytogenetic location: 18q22.2.
Variant type: single nucleotide variant.
Coding change: c.2552C>T on transcript NM_173630.4 (MANE Select); coding-DNA position 2552, C replaced by T.
Protein change: p.Ala851Val; replaces alanine 851 with valine.
Molecular consequence: missense variant. On other transcripts: 5 prime UTR variant (1).
Genome position (GRCh38, 1-based): chr18:70,142,317, G>A on the plus strand (C>T on the coding strand, the complement: RTTN is on the minus strand). VCF-style: chr18-70142317-G-A. GRCh37 (hg19) VCF-style: chr18-67809553-G-A.
Other names: c.2552C>T (NM_173630.3); c.-96C>T (NM_001318520.2); short protein forms A851V.
Identifiers: ClinVar variation 1353710 (VCV001353710.7), dbSNP rs374285374, ClinGen allele CA301921107.